The following is an entry in ClinVar:

NM_052844.4(DYNC2I2):c.671C>T (p.Ala224Val)

Gene: DYNC2I2 (dynein 2 intermediate chain 2; minus strand). Cytogenetic location: 9q34.11.
Variant type: single nucleotide variant.
Coding change: c.671C>T on transcript NM_052844.4 (MANE Select); coding-DNA position 671, C replaced by T.
Protein change: p.Ala224Val; replaces alanine 224 with valine.
Molecular consequence: missense variant.
Genome position (GRCh38, 1-based): chr9:128,636,313, G>A on the plus strand (C>T on the coding strand, the complement: DYNC2I2 is on the minus strand). VCF-style: chr9-128636313-G-A. GRCh37 (hg19) VCF-style: chr9-131398592-G-A.
Other names: short protein forms A224V.
Identifiers: ClinVar variation 2419575 (VCV002419575.6), dbSNP rs762547471, ClinGen allele CA375121408.
Genomic context (GRCh38, chr9:128,636,313, plus strand): 5'-GAGGAGGCGGACACAGCAGGCAGCTCACCTGCGACGTGGGAGGGCTGCGTGGGGTGGAAG[G>A]CCAGACACAGGACAGCGCTGGGGACCTCCACCACGGCCGACGGCTGCTGGGGACGCAGGT-3'
Protein context (NP_443076.2, residues 214-234): VEVPSAVLCL[Ala224Val]FHPTQPSHVA

ClinVar aggregate classification (germline): Uncertain significance (1 of 4 stars; one submission).

Conditions:
Short-rib thoracic dysplasia 11 with or without polydactyly (SRTD11). Also called: SHORT-RIB THORACIC DYSPLASIA 11 WITHOUT POLYDACTYLY. Identifiers: Orphanet 474, Orphanet 93271, MedGen C3810200, MONDO:0014287, OMIM 615633.

Submission:

Labcorp Genetics (formerly Invitae), Labcorp
Classification: Uncertain significance for Short-rib thoracic dysplasia 11 with or without polydactyly. Last evaluated: 2021-12-23. Review status: criteria provided, single submitter. Criteria: Invitae Variant Classification Sherloc (09022015). Collection method: clinical testing. Allele origin: germline.
Comment: Algorithms developed to predict the effect of missense changes on protein structure and function are either unavailable or do not agree on the potential impact of this missense change (SIFT: "Deleterious"; PolyPhen-2: "Probably Damaging"; Align-GVGD: "Class C0"). In summary, the available evidence is currently insufficient to determine the role of this variant in disease. Therefore, it has been classified as a Variant of Uncertain Significance. This variant has not been reported in the literature in individuals affected with WDR34-related conditions. This variant is not present in population databases (gnomAD no frequency). This sequence change replaces alanine, which is neutral and non-polar, with valine, which is neutral and non-polar, at codon 224 of the WDR34 protein (p.Ala224Val).